The following is an entry in ClinVar:

ClinVar aggregate classification (germline): Pathogenic/Likely pathogenic. Review status: criteria provided, multiple submitters, no conflicts (2 of 4 stars). 2 submissions from 2 submitters: Pathogenic (1); Likely pathogenic (1). Last evaluated 2023-02-04.

Conditions:
Arrhythmogenic cardiomyopathy with wooly hair and keratoderma. Also called: Dilated cardiomyopathy with woolly hair and keratoderma; PALMOPLANTAR KERATODERMA WITH LEFT VENTRICULAR CARDIOMYOPATHY AND WOOLLY HAIR; Carvajal syndrome; Arrhythmogenic cardiomyopathy with woolly hair and keratoderma. Identifiers: Orphanet 65282, MedGen C1854063, MONDO:0011581, OMIM 605676.
Arrhythmogenic right ventricular dysplasia 8 (ARVD8). Also called: ARRHYTHMOGENIC RIGHT VENTRICULAR DYSPLASIA, FAMILIAL, 8; ARRHYTHMOGENIC RIGHT VENTRICULAR CARDIOMYOPATHY 8; Arrhythmogenic Right Ventricular Dysplasia/Cardiomyopathy 8. Identifiers: MedGen C1843896, MONDO:0011831, OMIM 607450.

Submissions (2):

Labcorp Genetics (formerly Invitae), Labcorp
Classification: Pathogenic for Arrhythmogenic cardiomyopathy with wooly hair and keratoderma; Arrhythmogenic right ventricular dysplasia 8. Last evaluated: 2023-02-04. Review status: criteria provided, single submitter. Criteria: Invitae Variant Classification Sherloc (09022015). Collection method: clinical testing. Allele origin: germline.
Comment: This sequence change creates a premature translational stop signal (p.Trp493*) in the DSP gene. It is expected to result in an absent or disrupted protein product. Loss-of-function variants in DSP are known to be pathogenic (PMID: 20716751, 24503780, 25227139). This variant is not present in population databases (gnomAD no frequency). This variant has not been reported in the literature in individuals affected with DSP-related conditions. ClinVar contains an entry for this variant (Variation ID: 996764). For these reasons, this variant has been classified as Pathogenic.

Institute of Medical Genetics and Applied Genomics, University Hospital Tübingen
Classification: Likely pathogenic. Last evaluated: 2021-02-01. Review status: criteria provided, single submitter. Criteria: ACMG Guidelines, 2015. Collection method: clinical testing. Allele origin: germline. Inheritance: Autosomal dominant inheritance. Affected: yes.

Literature cited by the submitters: PubMed 20716751 (cited by Labcorp Genetics (formerly Invitae), Labcorp); PubMed 24503780 (cited by Labcorp Genetics (formerly Invitae), Labcorp); PubMed 25227139 (cited by Labcorp Genetics (formerly Invitae), Labcorp).

NM_004415.4(DSP):c.1479G>A (p.Trp493Ter)

Gene: DSP (desmoplakin; plus strand). Cytogenetic location: 6p24.3.
Variant type: single nucleotide variant.
Coding change: c.1479G>A on transcript NM_004415.4 (MANE Select); coding-DNA position 1479, G replaced by A.
Protein change: p.Trp493Ter; replaces tryptophan 493 with a stop codon.
Molecular consequence: nonsense.
Genome position (GRCh38, 1-based): chr6:7,569,245, G>A. VCF-style: chr6-7569245-G-A. GRCh37 (hg19) VCF-style: chr6-7569478-G-A.
Other names: c.1479G>A, p.Trp493Ter (NM_001008844.3, NM_001319034.2); short protein forms W493*.
Identifiers: ClinVar variation 996764 (VCV000996764.5), dbSNP rs1758962311, ClinGen allele CA362677562.